The following is an entry in ClinVar:

ClinVar aggregate classification (germline): Pathogenic (1 of 4 stars; one submission).

Conditions:
Neurofibromatosis, type 1 (NF1). Also called: Neurofibromatosis, type I; VON RECKLINGHAUSEN DISEASE; NEUROFIBROMATOSIS, TYPE I, SOMATIC; Peripheral type neurofibromatosis. Identifiers: Orphanet 636, MedGen C0027831, MONDO:0018975, OMIM 162200. Disease mechanism: loss of function.

Submission:

Labcorp Genetics (formerly Invitae), Labcorp
Classification: Pathogenic for Neurofibromatosis, type 1. Last evaluated: 2022-08-01. Review status: criteria provided, single submitter. Criteria: Invitae Variant Classification Sherloc (09022015). Collection method: clinical testing. Allele origin: germline.
Comment: For these reasons, this variant has been classified as Pathogenic. This sequence change creates a premature translational stop signal (p.Gly1003Trpfs*18) in the NF1 gene. It is expected to result in an absent or disrupted protein product. Loss-of-function variants in NF1 are known to be pathogenic (PMID: 10712197, 23913538). ClinVar contains an entry for this variant (Variation ID: 1458668). This variant has not been reported in the literature in individuals affected with NF1-related conditions. This variant is not present in population databases (gnomAD no frequency).

Literature cited by the submitters: PubMed 10712197; PubMed 23913538.

NM_001042492.3(NF1):c.3006dup (p.Gly1003fs)

Gene: NF1 (neurofibromin 1; plus strand). Cytogenetic location: 17q11.2.
Variant type: Duplication.
Coding change: c.3006dup on transcript NM_001042492.3 (MANE Select); coding-DNA position 3006, one base duplicated (T; older notation c.3006dupT).
Protein change: p.Gly1003fs; shifts the reading frame from glycine 1003.
Molecular consequence: frameshift variant.
Genome position (GRCh38, 1-based): chr17:31,230,275, T duplicated; the last of 2 consecutive T bases (chr17:31,230,274-31,230,275); duplicating either gives the same sequence. VCF-style (leftmost placement, unchanged base first): chr17-31230273-C-CT. GRCh37 (hg19) VCF-style: chr17-29557291-C-CT.
Other names: c.3006dup, p.Gly1003Trpfs (NM_000267.4); short protein forms G1003fs.
Identifiers: ClinVar variation 1458668 (VCV001458668.6), dbSNP rs2151431501, ClinGen allele CA2573153327.